The following is an entry in ClinVar:

ClinVar aggregate classification (germline): Benign/Likely benign. Review status: criteria provided, multiple submitters, no conflicts (2 of 4 stars). 2 submissions from 2 submitters: Benign (1); Likely benign (1). Last evaluated 2025-09-23.

Allele frequency attached by ClinVar (database versions not stated): gnomAD exomes 0.00001 and 0.00003; ExAC 0.00002; gnomAD 0.00013 and 0.00014; TOPMed 0.00018.
gnomAD v4.1: 36 of 1,610,228 alleles (0.0022%); highest among the groups gnomAD compares: African/African-American, 0.044%; no homozygotes.

Submissions (2):

Labcorp Genetics (formerly Invitae), Labcorp
Classification: Likely benign. Last evaluated: 2025-09-23. Review status: criteria provided, single submitter. Criteria: Invitae Variant Classification Sherloc (09022015). Collection method: clinical testing. Allele origin: germline.

GeneDx
Classification: Benign. Last evaluated: 2015-06-08. Review status: criteria provided, single submitter. Criteria: GeneDx Variant Classification (06012015). Collection method: clinical testing. Allele origin: germline. Affected: yes.
Comment: This variant is considered likely benign or benign based on one or more of the following criteria: it is a conservative change, it occurs at a poorly conserved position in the protein, it is predicted to be benign by multiple in silico algorithms, and/or has population frequency not consistent with disease.

NM_213595.4(ISCU):c.229-5T>C

Gene: ISCU (iron-sulfur cluster assembly enzyme; plus strand). Cytogenetic location: 12q23.3.
Variant type: single nucleotide variant.
Coding change: c.229-5T>C on transcript NM_213595.4 (MANE Select); 5 bases into the intron before coding-DNA position 229, T replaced by C.
Molecular consequence: intron variant.
Genome position (GRCh38, 1-based): chr12:108,565,316, T>C. VCF-style: chr12-108565316-T-C. GRCh37 (hg19) VCF-style: chr12-108959092-T-C.
Other names: c.154-5T>C (NM_014301.4); c.229-5T>C (NM_001320042.1, NM_001301140.1, NM_001301141.1).
Identifiers: ClinVar variation 377980 (VCV000377980.8), dbSNP rs761922921, ClinGen allele CA6768816.
Genomic context (GRCh38, chr12:108,565,316, plus strand): 5'-TCGTGAGTGCCAGGTTCCAGAGGGTGGTCCCAGGACTCACCACTTAACTCTTGTCTCTTT[T>C]CTAGATTCAAGTGGATGAAAAGGGGAAGATTGTGGATGCTAGGTTTAAAACATTTGGCTG-3'